The following is an entry in ClinVar:

ClinVar aggregate classification (germline): Uncertain significance (1 of 4 stars; one submission).

Conditions:
KMT2D-related disorder. Also called: KMT2D-Related Disorders.

gnomAD v4.1: 1 of 1,564,112 alleles (0.000064%); no homozygotes.

Submission:

PreventionGenetics, part of Exact Sciences
Classification: Uncertain significance for KMT2D-related condition. Last evaluated: 2022-08-29. Review status: criteria provided, single submitter. Criteria: ACMG Guidelines, 2015. Collection method: clinical testing. Allele origin: germline.
Comment: The KMT2D c.2705A>T variant is predicted to result in the amino acid substitution p.Glu902Val. To our knowledge, this variant has not been reported in the literature or in a large population database, indicating this variant is rare. At this time, the clinical significance of this variant is uncertain due to the absence of conclusive functional and genetic evidence.

NM_003482.4(KMT2D):c.2705A>T (p.Glu902Val)

Gene: KMT2D (lysine methyltransferase 2D; minus strand). Cytogenetic location: 12q13.12.
Variant type: single nucleotide variant.
Coding change: c.2705A>T on transcript NM_003482.4 (MANE Select); coding-DNA position 2705, A replaced by T.
Protein change: p.Glu902Val; replaces glutamic acid 902 with valine.
Molecular consequence: missense variant.
Genome position (GRCh38, 1-based): chr12:49,050,978, T>A on the plus strand (A>T on the coding strand, the complement: KMT2D is on the minus strand). VCF-style: chr12-49050978-T-A. GRCh37 (hg19) VCF-style: chr12-49444761-T-A.
Other names: short protein forms E902V.
Identifiers: ClinVar variation 2636398 (VCV002636398.1), dbSNP rs2120661086, ClinGen allele CA384664662.